The following is an entry in ClinVar:

NM_004304.5(ALK):c.2353A>G (p.Ser785Gly)

Gene: ALK (ALK receptor tyrosine kinase; minus strand). Cytogenetic location: 2p23.2.
Variant type: single nucleotide variant.
Coding change: c.2353A>G on transcript NM_004304.5 (MANE Select); coding-DNA position 2353, A replaced by G.
Protein change: p.Ser785Gly; replaces serine 785 with glycine.
Molecular consequence: missense variant.
Genome position (GRCh38, 1-based): chr2:29,239,682, T>C on the plus strand (A>G on the coding strand, the complement: ALK is on the minus strand). VCF-style: chr2-29239682-T-C. GRCh37 (hg19) VCF-style: chr2-29462548-T-C.
Other names: c.2353A>G (NM_004304.4); short protein forms S785G.
Identifiers: ClinVar variation 1034684 (VCV001034684.9), dbSNP rs1664471687, ClinGen allele CA346474168.
Genomic context (GRCh38, chr2:29,239,682, plus strand): 5'-GAGGCCTTCCCGGGGCCTGACAGAGTGCAGACGAGAAACCCCTGCTCTGGGCACTTACAC[T>C]GGGGCAGGCGTCCTCTCCCTGCTGCCCAACCAGGATGTACAGCATGTCATCCTTCTCCAG-3'
Protein context (NP_004295.2, residues 775-795): VGQQGEDACP[Ser785Gly]TNQLIQKVCI

ClinVar aggregate classification (germline): Uncertain significance. Review status: criteria provided, multiple submitters, no conflicts (2 of 4 stars). 2 submissions from 2 submitters: Uncertain significance (2). Last evaluated 2024-08-03.

Conditions:
Hereditary cancer-predisposing syndrome. Also called: Neoplastic Syndromes, Hereditary; Hereditary Cancer Syndrome; Tumor predisposition; Hereditary neoplastic syndrome. Identifiers: Orphanet 140162, MedGen C0027672, MeSH D009386, MONDO:0015356.
Neuroblastoma, susceptibility to, 3. Also called: ALK-Related Neuroblastic Tumor Susceptibility. Identifiers: Orphanet 635, MedGen C2751681, MONDO:0013083, OMIM 613014.

Submissions (2):

Ambry Genetics
Classification: Uncertain significance for Hereditary cancer-predisposing syndrome. Last evaluated: 2024-08-03. Review status: criteria provided, single submitter. Criteria: Ambry Variant Classification Scheme 2023. Collection method: clinical testing. Allele origin: germline.
Comment: The p.S785G variant (also known as c.2353A>G), located in coding exon 13 of the ALK gene, results from an A to G substitution at nucleotide position 2353. The serine at codon 785 is replaced by glycine, an amino acid with similar properties. This amino acid position is conserved. In addition, this alteration is predicted to be tolerated by in silico analysis. Based on the available evidence, the clinical significance of this variant remains unclear.

Labcorp Genetics (formerly Invitae), Labcorp
Classification: Uncertain significance for Neuroblastoma, susceptibility to, 3. Last evaluated: 2020-06-26. Review status: criteria provided, single submitter. Criteria: Invitae Variant Classification Sherloc (09022015). Collection method: clinical testing. Allele origin: germline.
Comment: In summary, the available evidence is currently insufficient to determine the role of this variant in disease. Therefore, it has been classified as a Variant of Uncertain Significance. Algorithms developed to predict the effect of missense changes on protein structure and function are either unavailable or do not agree on the potential impact of this missense change (SIFT: "Tolerated"; PolyPhen-2: "Possibly Damaging"; Align-GVGD: "Class C0"). This variant has not been reported in the literature in individuals with ALK-related conditions. This variant is not present in population databases (ExAC no frequency). This sequence change replaces serine with glycine at codon 785 of the ALK protein (p.Ser785Gly). The serine residue is moderately conserved and there is a small physicochemical difference between serine and glycine.